The following is an entry in ClinVar:

NM_007294.4(BRCA1):c.3292C>G (p.Leu1098Val)

Genes: BRCA1 (BRCA1 DNA repair associated; minus strand), LOC126862571 (BRD4-independent group 4 enhancer GRCh37_chr17:41243136-41244335; plus strand). Cytogenetic location: 17q21.31.
Variant type: single nucleotide variant.
Coding change: c.3292C>G on transcript NM_007294.4 (MANE Select); coding-DNA position 3292, C replaced by G.
Protein change: p.Leu1098Val; replaces leucine 1098 with valine.
Molecular consequence: missense variant. On other transcripts: intron variant (137).
Genome position (GRCh38, 1-based): chr17:43,092,239, G>C on the plus strand (C>G on the coding strand, the complement: BRCA1 is on the minus strand). VCF-style: chr17-43092239-G-C. GRCh37 (hg19) VCF-style: chr17-41244256-G-C.
Other names: c.2908C>G, p.Leu970Val (NM_001407962.1); c.2911C>G, p.Leu971Val (NM_001407963.1, NM_001407959.1, NM_001407960.1); c.3148C>G, p.Leu1050Val (NM_001407964.1, NM_001407740.1, NM_001407741.1 and 20 more transcripts); c.2788C>G, p.Leu930Val (NM_001407965.1); c.2404C>G, p.Leu802Val (NM_001407966.1, NM_001407967.1); c.3151C>G, p.Leu1051Val (NM_007297.4, NM_001407692.1, NM_001407694.1 and 29 more transcripts); c.3292C>G, p.Leu1098Val (NM_007300.4, NM_001407581.1, NM_001407582.1 and 30 more transcripts); c.647-1207C>G (NM_001408458.1, NM_001408469.1, NM_001408453.1 and 11 more transcripts); and 41 more; short protein forms L1009V, L1010V, L1027V, L1028V, L1030V, L1031V, L1050V, L1051V.
Identifiers: ClinVar variation 4856522 (VCV004856522.1).
Genomic context (GRCh38, chr17:43,092,239, plus strand): 5'-GAACTACTTCTTCATATTCTTGCTTTTTTATTTCAGGATGCTTACAATTACTTCCAGGAA[G>C]ACTTTGTTTATAGACCTCAGGTTGCAAAACCCCTAATCTAAGCATAGCATTCAATTTTGG-3'
Protein context (NP_009225.1, residues 1088-1108): VLQPEVYKQS[Leu1098Val]PGSNCKHPEI

ClinVar aggregate classification (germline): Likely benign (1 of 4 stars; one submission).

Conditions:
Breast-ovarian cancer, familial, susceptibility to, 1 (BROVCA1). Also called: OVARIAN CANCER, SUSCEPTIBILITY TO; BRCA1 Hereditary Breast and Ovarian Cancer. Identifiers: Orphanet 145, MedGen C2676676, MONDO:0011450, OMIM 604370. Disease mechanism: loss of function.

gnomAD v4.1: 1 of 1,613,550 alleles (0.000062%); highest among the groups gnomAD compares: South Asian, 0.0011%; no homozygotes.

Submission:

Cancer Bioinformatics and Tumour Evolution Laboratory, Monash University
Classification: Likely benign for Breast-ovarian cancer, familial, susceptibility to, 1. Last evaluated: 2026-05-01. Review status: criteria provided, single submitter. Criteria: ClinGen BRCA1 and BRCA2 Guidelines, 2024. Collection method: curation. Allele origin: germline. Inheritance: Autosomal dominant inheritance.
Comment: Missense variant outside of a functional domain with no splice impact. BRCA1 and BRCA2 VCEP guidelines recommend application of BP1_Strong (PMID: 39142283)